The following is an entry in ClinVar:

NM_001349206.2(LPIN1):c.2653G>A (p.Val885Ile)

Gene: LPIN1 (lipin 1; plus strand). Cytogenetic location: 2p25.1.
Variant type: single nucleotide variant.
Coding change: c.2653G>A on transcript NM_001349206.2 (MANE Select); coding-DNA position 2653, G replaced by A.
Protein change: p.Val885Ile; replaces valine 885 with isoleucine.
Molecular consequence: missense variant. On other transcripts: non-coding transcript variant (1).
Genome position (GRCh38, 1-based): chr2:11,824,663, G>A. VCF-style: chr2-11824663-G-A. GRCh37 (hg19) VCF-style: chr2-11964789-G-A.
Other names: c.2545G>A (NM_145693.1); c.2563G>A, p.Val855Ile (NM_001261427.3); c.2800G>A, p.Val934Ile (NM_001261428.3); c.2545G>A, p.Val849Ile (NM_001349199.2, NM_145693.4); c.2623G>A, p.Val875Ile (NM_001349200.2, NM_001349201.2); c.2650G>A, p.Val884Ile (NM_001349202.2, NM_001349203.2); c.2653G>A, p.Val885Ile (NM_001349204.2, NM_001349205.2); c.2743G>A, p.Val915Ile (NM_001349207.2); and 1 more; short protein forms V884I, V934I, V915I, V849I, V855I, V898I, V875I, V885I.
Identifiers: ClinVar variation 1904476 (VCV001904476.6), dbSNP rs770419484, ClinGen allele CA1534167.

ClinVar aggregate classification (germline): Uncertain significance. Review status: criteria provided, multiple submitters, no conflicts (2 of 4 stars). 3 submissions from 3 submitters: Uncertain significance (3). Last evaluated 2025-07-14.

Conditions:
Inborn genetic diseases. Identifiers: MedGen C0950123, MeSH D030342.
Myoglobinuria, acute recurrent, autosomal recessive. Also called: Myoglobinuria, recurrent, autosomal recessive; RHABDOMYOLYSIS, ACUTE RECURRENT; MYOGLOBINURIA, FAMILIAL PAROXYSMAL PARALYTIC. Identifiers: Orphanet 99845, MedGen C1849386, MONDO:0009992, OMIM 268200.

Allele frequency attached by ClinVar (database versions not stated): TOPMed below 0.00001; gnomAD 0.00001; gnomAD exomes 0.00001; ExAC 0.00002.
gnomAD v4.1: 15 of 1,613,900 alleles (0.00093%); highest among the groups gnomAD compares: East Asian, 0.0022%; no homozygotes.

Submissions (3):

Ambry Genetics
Classification: Uncertain significance for Inborn genetic diseases. Last evaluated: 2025-07-14. Review status: criteria provided, single submitter. Criteria: Ambry Variant Classification Scheme 2023. Collection method: clinical testing. Allele origin: germline.

Fulgent Genetics
Classification: Uncertain significance for Myoglobinuria, acute recurrent, autosomal recessive. Last evaluated: 2024-05-09. Review status: criteria provided, single submitter. Criteria: ACMG Guidelines, 2015. Collection method: clinical testing. Allele origin: germline.

Labcorp Genetics (formerly Invitae), Labcorp
Classification: Uncertain significance. Last evaluated: 2022-01-07. Review status: criteria provided, single submitter. Criteria: Invitae Variant Classification Sherloc (09022015). Collection method: clinical testing. Allele origin: germline.
Comment: This sequence change replaces valine, which is neutral and non-polar, with isoleucine, which is neutral and non-polar, at codon 849 of the LPIN1 protein (p.Val849Ile). This variant is present in population databases (rs770419484, gnomAD 0.005%). This variant has not been reported in the literature in individuals affected with LPIN1-related conditions. Algorithms developed to predict the effect of missense changes on protein structure and function (SIFT, PolyPhen-2, Align-GVGD) all suggest that this variant is likely to be tolerated. In summary, the available evidence is currently insufficient to determine the role of this variant in disease. Therefore, it has been classified as a Variant of Uncertain Significance.